The following is an entry in ClinVar:

NM_032043.3(BRIP1):c.1586G>T (p.Gly529Val)

Gene: BRIP1 (BRCA1 interacting DNA helicase 1; minus strand). Cytogenetic location: 17q23.2.
Variant type: single nucleotide variant.
Coding change: c.1586G>T on transcript NM_032043.3 (MANE Select); coding-DNA position 1586, G replaced by T.
Protein change: p.Gly529Val; replaces glycine 529 with valine.
Molecular consequence: missense variant.
Genome position (GRCh38, 1-based): chr17:61,784,312, C>A on the plus strand (G>T on the coding strand, the complement: BRIP1 is on the minus strand). VCF-style: chr17-61784312-C-A. GRCh37 (hg19) VCF-style: chr17-59861673-C-A.
Other names: short protein forms G529V.
Identifiers: ClinVar variation 1775808 (VCV001775808.3), dbSNP rs138784299, ClinGen allele CA400481044.
Genomic context (GRCh38, chr17:61,784,312, plus strand): 5'-CTAGTTATCTTCACTTACCTGCTATTTTGCCTAAAAAGATAGTCAAGTACCATAAAAAGT[C>A]CTTTAAGCATTATTTGAGTTGATGCACTAATAACAGGTACTTCTCTTGCCTCCTCTTTAC-3'
Protein context (NP_114432.2, residues 519-539): ISASTQIMLK[Gly529Val]LFMVLDYLFR

ClinVar aggregate classification (germline): Uncertain significance (1 of 4 stars; one submission).

Conditions:
Hereditary cancer-predisposing syndrome. Also called: Neoplastic Syndromes, Hereditary; Tumor predisposition; Hereditary Cancer Syndrome; Hereditary neoplastic syndrome. Identifiers: Orphanet 140162, MedGen C0027672, MeSH D009386, MONDO:0015356.

Submission:

Ambry Genetics
Classification: Uncertain significance for Hereditary cancer-predisposing syndrome. Last evaluated: 2025-08-23. Review status: criteria provided, single submitter. Criteria: Ambry Variant Classification Scheme 2023. Collection method: clinical testing. Allele origin: germline.
Comment: The p.G529V variant (also known as c.1586G>T), located in coding exon 10 of the BRIP1 gene, results from a G to T substitution at nucleotide position 1586. The glycine at codon 529 is replaced by valine, an amino acid with dissimilar properties. This amino acid position is conserved. In addition, the in silico prediction for this alteration is inconclusive. Since supporting evidence is limited at this time, the clinical significance of this alteration remains unclear.